The following is an entry in ClinVar:

NM_018060.4(IARS2):c.2952_2958dup (p.Cys987fs)

Gene: IARS2 (isoleucyl-tRNA synthetase 2, mitochondrial; plus strand). Cytogenetic location: 1q41.
Variant type: Duplication.
Coding change: c.2952_2958dup on transcript NM_018060.4 (MANE Select); coding-DNA positions 2952 to 2958, 7 bases duplicated (AGAAAAA; older notation c.2952_2958dupAGAAAAA).
Protein change: p.Cys987fs; shifts the reading frame from cysteine 987.
Molecular consequence: frameshift variant.
Genome position (GRCh38, 1-based): chr1:220,147,548-220,147,554, AGAAAAA duplicated; duplicating any 7 consecutive bases within chr1:220,147,546-220,147,554 gives the same sequence; the c. name uses the placement nearest the transcript's 3' end. VCF-style (leftmost placement, unchanged base first): chr1-220147545-G-GAAAGAAA. GRCh37 (hg19) VCF-style: chr1-220320887-G-GAAAGAAA.
Other names: c.2952_2958dupAGAAAAA (NM_018060.3); short protein forms C987fs.
Identifiers: ClinVar variation 504366 (VCV000504366.2), dbSNP rs1553272319, ClinGen allele CA658795604.
Genomic context (GRCh38, chr1:220,147,545, plus strand): 5'-TTTTATAGGTGGTGATATTCGTGAAGAGTCTTCCTATAAAGTAATTGTCATGCCGACTAC[G>GAAAGAAA]AAAGAAAAATGCCCCCGTTGTTGGAAGTATACAGCGGAGTCTTCAGATACACTGTGTCCT-3'

ClinVar aggregate classification (germline): Uncertain significance (1 of 4 stars; one submission).

Submission:

GeneDx
Classification: Uncertain significance. Last evaluated: 2018-02-28. Review status: criteria provided, single submitter. Criteria: GeneDx Variant Classification (06012015). Collection method: clinical testing. Allele origin: germline. Affected: yes.
Comment: The c.2952_2958dupAGAAAAA variant in the IARS2 gene has not been reported previously as a pathogenic variant nor as a benign variant, to our knowledge. This frameshift variant replaces the typical last 26 amino acid residues in the IARS2 protein with 44 different amino acid residues. This alteration may interfere with the proper formation and/or function of the IARS2 protein. The c.2952_2958dupAGAAAAA variant is not observed in large population cohorts (Lek et al., 2016). We interpret c.2952_2958dupAGAAAAA as a variant of uncertain significance.